The following is an entry in ClinVar:

ClinVar aggregate classification (germline): Uncertain significance. Review status: criteria provided, multiple submitters, no conflicts (2 of 4 stars). 2 submissions from 2 submitters: Uncertain significance (2). Last evaluated 2024-08-30.

Conditions:
Inborn genetic diseases. Identifiers: MedGen C0950123, MeSH D030342.

Allele frequency attached by ClinVar (database versions not stated): gnomAD 0.00001; ExAC 0.00015; 1000 Genomes Project 30x 0.00031; 1000 Genomes Project 0.00040.
gnomAD v4.1: 40 of 1,573,404 alleles (0.0025%); highest among the groups gnomAD compares: South Asian, 0.038%; no homozygotes.

Submissions (2):

Labcorp Genetics (formerly Invitae), Labcorp
Classification: Uncertain significance. Last evaluated: 2024-08-30. Review status: criteria provided, single submitter. Criteria: Invitae Variant Classification Sherloc (09022015). Collection method: clinical testing. Allele origin: germline.
Comment: This sequence change replaces valine, which is neutral and non-polar, with methionine, which is neutral and non-polar, at codon 1459 of the TUBGCP6 protein (p.Val1459Met). This variant is present in population databases (rs537198714, gnomAD 0.05%). This variant has not been reported in the literature in individuals affected with TUBGCP6-related conditions. ClinVar contains an entry for this variant (Variation ID: 1438646). An algorithm developed to predict the effect of missense changes on protein structure and function outputs the following: PolyPhen-2: "Benign". The methionine amino acid residue is found in multiple mammalian species, which suggests that this missense change does not adversely affect protein function. In summary, the available evidence is currently insufficient to determine the role of this variant in disease. Therefore, it has been classified as a Variant of Uncertain Significance.

Ambry Genetics
Classification: Uncertain significance for Inborn genetic diseases. Last evaluated: 2022-11-07. Review status: criteria provided, single submitter. Criteria: Ambry Variant Classification Scheme 2023. Collection method: clinical testing. Allele origin: germline.

NM_020461.4(TUBGCP6):c.4375G>A (p.Val1459Met)

Gene: TUBGCP6 (tubulin gamma complex component 6; minus strand). Cytogenetic location: 22q13.33.
Variant type: single nucleotide variant.
Coding change: c.4375G>A on transcript NM_020461.4 (MANE Select); coding-DNA position 4375, G replaced by A.
Protein change: p.Val1459Met; replaces valine 1459 with methionine.
Molecular consequence: missense variant.
Genome position (GRCh38, 1-based): chr22:50,219,397, C>T on the plus strand (G>A on the coding strand, the complement: TUBGCP6 is on the minus strand). VCF-style: chr22-50219397-C-T. GRCh37 (hg19) VCF-style: chr22-50657826-C-T.
Other names: c.4375G>A (NM_020461.3); short protein forms V1459M.
Identifiers: ClinVar variation 1438646 (VCV001438646.6), dbSNP rs537198714, ClinGen allele CA10307527.